The following is an entry in ClinVar:

NM_182914.3(SYNE2):c.4013C>T (p.Ser1338Phe)

Gene: SYNE2 (spectrin repeat containing nuclear envelope protein 2; plus strand). Cytogenetic location: 14q23.2.
Variant type: single nucleotide variant.
Coding change: c.4013C>T on transcript NM_182914.3 (MANE Select); coding-DNA position 4013, C replaced by T.
Protein change: p.Ser1338Phe; replaces serine 1338 with phenylalanine.
Molecular consequence: missense variant.
Genome position (GRCh38, 1-based): chr14:64,002,946, C>T. VCF-style: chr14-64002946-C-T. GRCh37 (hg19) VCF-style: chr14-64469664-C-T.
Other names: c.4013C>T, p.Ser1338Phe (NM_015180.6); short protein forms S1338F.
Identifiers: ClinVar variation 645461 (VCV000645461.8), dbSNP rs1226719188, ClinGen allele CA389997645.

ClinVar aggregate classification (germline): Uncertain significance (1 of 4 stars; one submission).

Conditions:
Emery-Dreifuss muscular dystrophy 5, autosomal dominant (EDMD5). Also called: EMERY-DREIFUSS MUSCULAR DYSTROPHY 5. Identifiers: Orphanet 261, MedGen C2751805, MONDO:0013072, OMIM 612999.

Allele frequency attached by ClinVar (database versions not stated): gnomAD exomes below 0.00001; TOPMed below 0.00001; gnomAD 0.00002.
gnomAD v4.1: 5 of 1,614,098 alleles (0.00031%); highest among the groups gnomAD compares: African/African-American, 0.0053%; no homozygotes.

Submission:

Labcorp Genetics (formerly Invitae), Labcorp
Classification: Uncertain significance for Emery-Dreifuss muscular dystrophy 5, autosomal dominant. Last evaluated: 2020-02-15. Review status: criteria provided, single submitter. Criteria: Invitae Variant Classification Sherloc (09022015). Collection method: clinical testing. Allele origin: germline.
Comment: In summary, the available evidence is currently insufficient to determine the role of this variant in disease. Therefore, it has been classified as a Variant of Uncertain Significance. Algorithms developed to predict the effect of missense changes on protein structure and function are either unavailable or do not agree on the potential impact of this missense change (SIFT: "Tolerated"; PolyPhen-2: "Probably Damaging"; Align-GVGD: "Class C0"). This variant has not been reported in the literature in individuals with SYNE2-related disease. This variant is not present in population databases (ExAC no frequency). This sequence change replaces serine with phenylalanine at codon 1338 of the SYNE2 protein (p.Ser1338Phe). The serine residue is weakly conserved and there is a large physicochemical difference between serine and phenylalanine.